The following is an entry in ClinVar:

ClinVar aggregate classification (germline): Likely benign (1 of 4 stars; one submission).

gnomAD v4.1: 2 of 1,612,888 alleles (0.00012%); highest among the groups gnomAD compares: Non-Finnish European, 0.00017%; no homozygotes.

Submission:

CeGaT Center for Human Genetics Tuebingen
Classification: Likely benign. Last evaluated: 2026-07-01. Review status: criteria provided, single submitter. Criteria: CeGaT Center For Human Genetics Tuebingen Variant Classification Criteria Version 2. Collection method: clinical testing. Allele origin: germline. Affected: yes. Observed: 1 variant allele.
Comment: ARVCF: BP4, BP7

NM_001670.3(ARVCF):c.264T>C (p.Asp88=)

Gene: ARVCF (ARVCF delta catenin family member; minus strand). Cytogenetic location: 22q11.21.
Variant type: single nucleotide variant.
Coding change: c.264T>C on transcript NM_001670.3 (MANE Select); coding-DNA position 264, T replaced by C.
Protein change: p.Asp88=; no amino-acid change (aspartic acid 88 retained).
Molecular consequence: synonymous variant.
Genome position (GRCh38, 1-based): chr22:19,982,038, A>G on the plus strand (T>C on the coding strand, the complement: ARVCF is on the minus strand). VCF-style: chr22-19982038-A-G. GRCh37 (hg19) VCF-style: chr22-19969561-A-G.
Other names: c.75T>C, p.Asp25= (NM_001410839.1, NM_001438683.1, NM_001438694.1); c.264T>C, p.Asp88= (NM_001438684.1, NM_001438685.1, NM_001438687.1 and 2 more transcripts).
Identifiers: ClinVar variation 5039737 (VCV005039737.1).